The following is an entry in ClinVar:

NM_004260.4(RECQL4):c.2522C>T (p.Ala841Val)

Gene: RECQL4 (RecQ like helicase 4; minus strand). Cytogenetic location: 8q24.3.
Variant type: single nucleotide variant.
Coding change: c.2522C>T on transcript NM_004260.4 (MANE Select); coding-DNA position 2522, C replaced by T.
Protein change: p.Ala841Val; replaces alanine 841 with valine.
Molecular consequence: missense variant.
Genome position (GRCh38, 1-based): chr8:144,513,080, G>A on the plus strand (C>T on the coding strand, the complement: RECQL4 is on the minus strand). VCF-style: chr8-144513080-G-A. GRCh37 (hg19) VCF-style: chr8-145738463-G-A.
Other names: short protein forms A841V.
Identifiers: ClinVar variation 407041 (VCV000407041.7), dbSNP rs768110067, ClinGen allele CA4948200.

ClinVar aggregate classification (germline): Uncertain significance (1 of 4 stars; one submission).

Conditions:
Baller-Gerold syndrome (BGS). Also called: CRANIOSYNOSTOSIS WITH RADIAL DEFECTS. Identifiers: Orphanet 1225, MedGen C0265308, MONDO:0009039, OMIM 218600.

Allele frequency attached by ClinVar (database versions not stated): gnomAD exomes below 0.00001 and 0.00004; ExAC 0.00002; gnomAD 0.00002; TOPMed 0.00002.
gnomAD v4.1: 66 of 1,577,554 alleles (0.0042%); highest among the groups gnomAD compares: Non-Finnish European, 0.0054%; no homozygotes.

Submission:

Labcorp Genetics (formerly Invitae), Labcorp
Classification: Uncertain significance for Baller-Gerold syndrome. Last evaluated: 2026-01-21. Review status: criteria provided, single submitter. Criteria: Invitae Variant Classification Sherloc (09022015). Collection method: clinical testing. Allele origin: germline.
Comment: This sequence change replaces alanine, which is neutral and non-polar, with valine, which is neutral and non-polar, at codon 841 of the RECQL4 protein (p.Ala841Val). The frequency data for this variant in the population databases is considered unreliable, as metrics indicate poor data quality at this position in the gnomAD database. This variant has not been reported in the literature in individuals affected with RECQL4-related conditions. ClinVar contains an entry for this variant (Variation ID: 407041). Invitae Evidence Modeling of protein sequence and biophysical properties (such as structural, functional, and spatial information, amino acid conservation, physicochemical variation, residue mobility, and thermodynamic stability) indicates that this missense variant is not expected to disrupt RECQL4 protein function with a negative predictive value of 80%. In summary, the available evidence is currently insufficient to determine the role of this variant in disease. Therefore, it has been classified as a Variant of Uncertain Significance.